The following is an entry in ClinVar:

NM_005045.4(RELN):c.4954G>C (p.Glu1652Gln)

Gene: RELN (reelin; minus strand). Cytogenetic location: 7q22.1.
Variant type: single nucleotide variant.
Coding change: c.4954G>C on transcript NM_005045.4 (MANE Select); coding-DNA position 4954, G replaced by C.
Protein change: p.Glu1652Gln; replaces glutamic acid 1652 with glutamine.
Molecular consequence: missense variant.
Genome position (GRCh38, 1-based): chr7:103,565,534, C>G on the plus strand (G>C on the coding strand, the complement: RELN is on the minus strand). VCF-style: chr7-103565534-C-G. GRCh37 (hg19) VCF-style: chr7-103205981-C-G.
Other names: c.4954G>C, p.Glu1652Gln (NM_173054.3); short protein forms E1652Q.
Identifiers: ClinVar variation 4083478 (VCV004083478.1).

ClinVar aggregate classification (germline): Uncertain significance (1 of 4 stars; one submission).

gnomAD v4.1: 13 of 1,610,750 alleles (0.00081%); highest among the groups gnomAD compares: African/African-American, 0.0014%; no homozygotes.

Submission:

GeneDx
Classification: Uncertain significance. Last evaluated: 2025-03-05. Review status: criteria provided, single submitter. Criteria: GeneDx Variant Classification Process June 2021. Collection method: clinical testing. Allele origin: germline. Affected: yes.
Comment: Has not been previously published as pathogenic or benign to our knowledge; Not observed at significant frequency in large population cohorts (gnomAD); In silico analysis indicates that this missense variant does not alter protein structure/function